The following is an entry in ClinVar:

ClinVar aggregate classification (germline): Pathogenic. Review status: criteria provided, multiple submitters, no conflicts (2 of 4 stars). 2 submissions from 2 submitters: Pathogenic (2). Last evaluated 2022-10-07.

Conditions:
SLC25A13-related disorder. Also called: SLC25A13-related condition.
Citrin deficiency. Identifiers: Orphanet 247582, MedGen C1997910, MONDO:0016602.

Allele frequency attached by ClinVar (database versions not stated): gnomAD 0.00001.
gnomAD v4.1: 1 of 1,613,984 alleles (0.000062%); highest among the groups gnomAD compares: South Asian, 0.0011%; no homozygotes.

Submissions (2):

PreventionGenetics, part of Exact Sciences
Classification: Pathogenic for SLC25A13-related condition. Last evaluated: 2022-10-07. Review status: criteria provided, single submitter. Criteria: ACMG Guidelines, 2015. Collection method: clinical testing. Allele origin: germline.
Comment: The SLC25A13 c.1075C>T variant is predicted to result in premature protein termination (p.Gln359*). To our knowledge, this variant has not been reported in the literature or in a large population database, indicating this variant is rare. Nonsense variants in SLC25A13 are expected to be pathogenic. This variant is interpreted as pathogenic.

Labcorp Genetics (formerly Invitae), Labcorp
Classification: Pathogenic for Citrin deficiency. Last evaluated: 2021-05-17. Review status: criteria provided, single submitter. Criteria: Invitae Variant Classification Sherloc (09022015). Collection method: clinical testing. Allele origin: germline.
Comment: For these reasons, this variant has been classified as Pathogenic. This variant has not been reported in the literature in individuals with SLC25A13-related conditions. This variant is not present in population databases (ExAC no frequency). This sequence change creates a premature translational stop signal (p.Gln359*) in the SLC25A13 gene. It is expected to result in an absent or disrupted protein product. Loss-of-function variants in SLC25A13 are known to be pathogenic (PMID: 10369257, 14680984, 27405544).

Literature cited by the submitters: PubMed 10369257 (cited by Labcorp Genetics (formerly Invitae), Labcorp); PubMed 14680984 (cited by Labcorp Genetics (formerly Invitae), Labcorp); PubMed 27405544 (cited by Labcorp Genetics (formerly Invitae), Labcorp).

NM_014251.3(SLC25A13):c.1075C>T (p.Gln359Ter)

Gene: SLC25A13 (solute carrier family 25 member 13; minus strand). Cytogenetic location: 7q21.3.
Variant type: single nucleotide variant.
Coding change: c.1075C>T on transcript NM_014251.3 (MANE Select); coding-DNA position 1075, C replaced by T.
Protein change: p.Gln359Ter; replaces glutamine 359 with a stop codon.
Molecular consequence: nonsense. On other transcripts: non-coding transcript variant (1).
Genome position (GRCh38, 1-based): chr7:96,184,379, G>A on the plus strand (C>T on the coding strand, the complement: SLC25A13 is on the minus strand). VCF-style: chr7-96184379-G-A. GRCh37 (hg19) VCF-style: chr7-95813691-G-A.
Other names: c.1075C>T (NM_014251.2); c.1078C>T, p.Gln360Ter (NM_001160210.2); short protein forms Q359*, Q360*.
Identifiers: ClinVar variation 1459235 (VCV001459235.6), dbSNP rs1794541339, ClinGen allele CA368260269.
Genomic context (GRCh38, chr7:96,184,379, plus strand): 5'-TAAAACAGTCAAAGCTGTTTTTATACATGAGTTCTCCCACAAAAGAGCCAGTTGATCGTT[G>A]GTTCTGCATTCGAGTTTTTACAAGATCGATAGGATACACAGCAGTGGCTCCAACAGCTAA-3'